The following is an entry in ClinVar:

NM_001005242.3(PKP2):c.1591G>A (p.Ala531Thr)

Gene: PKP2 (plakophilin 2; minus strand). Cytogenetic location: 12p11.21.
Variant type: single nucleotide variant.
Coding change: c.1591G>A on transcript NM_001005242.3 (MANE Select); coding-DNA position 1591, G replaced by A.
Protein change: p.Ala531Thr; replaces alanine 531 with threonine.
Molecular consequence: missense variant.
Genome position (GRCh38, 1-based): chr12:32,824,128, C>T on the plus strand (G>A on the coding strand, the complement: PKP2 is on the minus strand). VCF-style: chr12-32824128-C-T. GRCh37 (hg19) VCF-style: chr12-32977062-C-T.
Other names: c.1591G>A, p.Ala531Thr (NM_001407155.1, NM_001407156.1, NM_001407161.1); c.1723G>A, p.Ala575Thr (NM_001407157.1, NM_004572.4); c.1264G>A, p.Ala422Thr (NM_001407158.1, NM_001407159.1, NM_001407160.1 and 1 more transcripts); short protein forms A531T, A575T, A422T.
Identifiers: ClinVar variation 3889647 (VCV003889647.1).
Genomic context (GRCh38, chr12:32,824,128, plus strand): 5'-CAATGGTTCCTCTGACATAATGGACCAGTGAGTCAATGAGTCCGTCACATCTTCTCATCG[C>T]TTTTCTCCCATCAGCGCCAGCAGAACTCATGTTTCTATCAGAAAAAACAAAAAACAAAAA-3'
Protein context (NP_001005242.2, residues 521-541): MSSAGADGRK[Ala531Thr]MRRCDGLIDS

ClinVar aggregate classification (germline): Uncertain significance (1 of 4 stars; one submission).

Conditions:
Cardiovascular phenotype. Identifiers: MedGen CN230736.

gnomAD v4.1: 1 of 1,613,424 alleles (0.000062%); highest among the groups gnomAD compares: Non-Finnish European, 0.000085%; no homozygotes.

Submission:

Ambry Genetics
Classification: Uncertain significance for Cardiovascular phenotype. Last evaluated: 2025-01-16. Review status: criteria provided, single submitter. Criteria: Ambry Variant Classification Scheme 2023. Collection method: clinical testing. Allele origin: germline.
Comment: The p.A575T variant (also known as c.1723G>A), located in coding exon 8 of the PKP2 gene, results from a G to A substitution at nucleotide position 1723. The alanine at codon 575 is replaced by threonine, an amino acid with similar properties. This amino acid position is conserved. In addition, this alteration is predicted to be tolerated by in silico analysis. Based on the available evidence, the clinical significance of this variant remains unclear.